The following is an entry in ClinVar:

NM_005141.5(FGB):c.773A>C (p.Gln258Pro)

Gene: FGB (fibrinogen beta chain; plus strand). Cytogenetic location: 4q31.3.
Variant type: single nucleotide variant.
Coding change: c.773A>C on transcript NM_005141.5 (MANE Select); coding-DNA position 773, A replaced by C.
Protein change: p.Gln258Pro; replaces glutamine 258 with proline.
Molecular consequence: missense variant. On other transcripts: intron variant (1).
Genome position (GRCh38, 1-based): chr4:154,568,435, A>C. VCF-style: chr4-154568435-A-C. GRCh37 (hg19) VCF-style: chr4-155489587-A-C.
Other names: c.596A>C, p.Gln199Pro (NM_001184741.1); c.641A>C, p.Gln214Pro (NM_001382759.1); c.773A>C, p.Gln258Pro (NM_001382760.1, NM_001382761.1, NM_001382763.1 and 2 more transcripts); c.745+28A>C (NM_001382762.1); short protein forms Q199P, Q214P, Q258P.
Identifiers: ClinVar variation 2637583 (VCV002637583.1), dbSNP rs2530780843, ClinGen allele CA358512579.

ClinVar aggregate classification (germline): Uncertain significance (1 of 4 stars; one submission).

Submission:

Women's Health and Genetics/Laboratory Corporation of America, LabCorp
Classification: Uncertain significance. Last evaluated: 2023-10-31. Review status: criteria provided, single submitter. Criteria: LabCorp Variant Classification Summary - May 2015. Collection method: clinical testing. Allele origin: germline.
Comment: Variant summary: FGB c.773A>C (p.Gln258Pro) results in a non-conservative amino acid change located in the Fibrinogen, alpha/beta/gamma chain, C-terminal globular domain (IPR002181) of the encoded protein sequence. Five of five in-silico tools predict a damaging effect of the variant on protein function. The variant was absent in 251278 control chromosomes. The available data on variant occurrences in the general population are insufficient to allow any conclusion about variant significance. To our knowledge, no occurrence of c.773A>C in individuals affected with Afibrinogenemia, Congenital and no experimental evidence demonstrating its impact on protein function have been reported. No submitters have cited clinical-significance assessments for this variant to ClinVar after 2014. Based on the evidence outlined above, the variant was classified as uncertain significance.